The following is an entry in ClinVar:

ClinVar aggregate classification (germline): Uncertain significance (1 of 4 stars; one submission).

Conditions:
PPARG-related disorder. Also called: PPARG-related disorders; PPARG-related condition.

gnomAD v4.1: 15 of 1,613,668 alleles (0.00093%); highest among the groups gnomAD compares: African/African-American, 0.017%; no homozygotes.

Submission:

PreventionGenetics, part of Exact Sciences
Classification: Uncertain significance for PPARG-related condition. Last evaluated: 2026-07-29. Review status: criteria provided, single submitter. Criteria: ACMG Guidelines, 2015. Collection method: clinical testing. Allele origin: germline.
Comment: The PPARG c.77C>T variant is predicted to result in the amino acid substitution p.Ala26Val. To our knowledge, this variant has not been reported in the literature. This variant is reported in 0.023% of alleles in individuals of African descent in gnomAD. At this time, the clinical significance of this variant is uncertain due to the absence of conclusive functional and genetic evidence.

NM_138711.6(PPARG):c.504C>T (p.Cys168=)

Gene: PPARG (peroxisome proliferator activated receptor gamma; plus strand). Cytogenetic location: 3p25.2.
Variant type: single nucleotide variant.
Coding change: c.504C>T on transcript NM_138711.6 (MANE Select); coding-DNA position 504, C replaced by T.
Protein change: p.Cys168=; no amino-acid change (cysteine 168 retained).
Molecular consequence: synonymous variant. On other transcripts: missense variant (1).
Genome position (GRCh38, 1-based): chr3:12,392,727, C>T. VCF-style: chr3-12392727-C-T. GRCh37 (hg19) VCF-style: chr3-12434226-C-T.
Other names: c.504C>T, p.Cys168= (NM_001330615.4, NM_001354666.3, NM_001354667.3 and 6 more transcripts); c.594C>T, p.Cys198= (NM_001354668.2, NM_001374265.1, NM_015869.5); c.77C>T, p.Ala26Val (NM_001354669.2); c.510C>T, p.Cys170= (NM_001354670.2, NM_001374266.1); short protein forms A26V.
Identifiers: ClinVar variation 4995901 (VCV004995901.1).
Genomic context (GRCh38, chr3:12,392,727, plus strand): 5'-TAACTGTCGGATCCACAAAAAAAGTAGAAATAAATGTCAGTACTGTCGGTTTCAGAAATG[C>T]CTTGCAGTGGGGATGTCTCATAATGGTAAGTAAACAGTCATCACCATATACTTTATTATT-3'
Protein context (NP_619725.3, residues 158-178): NKCQYCRFQK[Cys168=]LAVGMSHNAI